The following is an entry in ClinVar:

NM_001148.6(ANK2):c.9721C>G (p.Gln3241Glu)

Gene: ANK2 (ankyrin 2; plus strand). Cytogenetic location: 4q26.
Variant type: single nucleotide variant.
Coding change: c.9721C>G on transcript NM_001148.6 (MANE Select); coding-DNA position 9721, C replaced by G.
Protein change: p.Gln3241Glu; replaces glutamine 3241 with glutamic acid.
Molecular consequence: missense variant. On other transcripts: intron variant (68).
Genome position (GRCh38, 1-based): chr4:113,358,339, C>G. VCF-style: chr4-113358339-C-G. GRCh37 (hg19) VCF-style: chr4-114279495-C-G.
Other names: c.9487C>G, p.Gln3163Glu (NM_001386142.1); c.6121C>G, p.Gln2041Glu (NM_001386166.1); c.9862C>G, p.Gln3288Glu (NM_001386174.1); c.9838C>G, p.Gln3280Glu (NM_001386175.1); c.4412-2484C>G (NM_001386186.2, NM_001386148.2); c.4214-2484C>G (NM_001354269.3); c.4292-2484C>G (NM_001386187.2); c.4253-2484C>G (NM_001386147.1); and 35 more; short protein forms Q2041E, Q3241E, Q3163E, Q3280E, Q3288E.
Identifiers: ClinVar variation 3539666 (VCV003539666.1).

ClinVar aggregate classification (germline): Uncertain significance (1 of 4 stars; one submission).

Conditions:
Cardiovascular phenotype. Identifiers: MedGen CN230736.

Submission:

Ambry Genetics
Classification: Uncertain significance for Cardiovascular phenotype. Last evaluated: 2024-09-05. Review status: criteria provided, single submitter. Criteria: Ambry Variant Classification Scheme 2023. Collection method: clinical testing. Allele origin: germline.
Comment: The p.Q3241E variant (also known as c.9721C>G), located in coding exon 38 of the ANK2 gene, results from a C to G substitution at nucleotide position 9721. The glutamine at codon 3241 is replaced by glutamic acid, an amino acid with highly similar properties. This amino acid position is conserved. In addition, this alteration is predicted to be tolerated by in silico analysis. Based on the available evidence, the clinical significance of this variant remains unclear.